The following is an entry in ClinVar:

ClinVar aggregate classification (germline): Uncertain significance. Review status: criteria provided, multiple submitters, no conflicts (2 of 4 stars). 2 submissions from 2 submitters: Uncertain significance (2). Last evaluated 2025-08-15.

Conditions:
Inborn genetic diseases. Identifiers: MedGen C0950123, MeSH D030342.

Allele frequency attached by ClinVar (database versions not stated): gnomAD exomes 0.00001; TOPMed 0.00001.
gnomAD v4.1: 14 of 1,613,540 alleles (0.00087%); highest among the groups gnomAD compares: East Asian, 0.0045%; no homozygotes.

Submissions (2):

Labcorp Genetics (formerly Invitae), Labcorp
Classification: Uncertain significance. Last evaluated: 2025-08-15. Review status: criteria provided, single submitter. Criteria: Invitae Variant Classification Sherloc (09022015). Collection method: clinical testing. Allele origin: germline.
Comment: This sequence change replaces serine, which is neutral and polar, with leucine, which is neutral and non-polar, at codon 2424 of the ABCA12 protein (p.Ser2424Leu). This variant is present in population databases (no rsID available, gnomAD 0.002%). This variant has not been reported in the literature in individuals affected with ABCA12-related conditions. ClinVar contains an entry for this variant (Variation ID: 1944167). Invitae Evidence Modeling of protein sequence and biophysical properties (such as structural, functional, and spatial information, amino acid conservation, physicochemical variation, residue mobility, and thermodynamic stability) indicates that this missense variant is expected to disrupt ABCA12 protein function with a positive predictive value of 80%. In summary, the available evidence is currently insufficient to determine the role of this variant in disease. Therefore, it has been classified as a Variant of Uncertain Significance.

Ambry Genetics
Classification: Uncertain significance for Inborn genetic diseases. Last evaluated: 2024-02-17. Review status: criteria provided, single submitter. Criteria: Ambry Variant Classification Scheme 2023. Collection method: clinical testing. Allele origin: germline.

NM_173076.3(ABCA12):c.7271C>T (p.Ser2424Leu)

Genes: ABCA12 (ATP binding cassette subfamily A member 12; minus strand), SNHG31 (small nucleolar RNA host gene 31; plus strand). Cytogenetic location: 2q35.
Variant type: single nucleotide variant.
Coding change: c.7271C>T on transcript NM_173076.3 (MANE Select); coding-DNA position 7271, C replaced by T.
Protein change: p.Ser2424Leu; replaces serine 2424 with leucine.
Molecular consequence: missense variant. On other transcripts: non-coding transcript variant (1).
Genome position (GRCh38, 1-based): chr2:214,945,073, G>A on the plus strand (C>T on the coding strand, the complement: ABCA12 is on the minus strand). VCF-style: chr2-214945073-G-A. GRCh37 (hg19) VCF-style: chr2-215809797-G-A.
Other names: c.7271C>T (NM_173076.2); c.6317C>T, p.Ser2106Leu (NM_015657.4); short protein forms S2424L, S2106L.
Identifiers: ClinVar variation 1944167 (VCV001944167.5), dbSNP rs925844991, ClinGen allele CA65502721.
Genomic context (GRCh38, chr2:214,945,073, plus strand): 5'-AGGATGACGGAACATTTGTTCTGTACTTCTTCTGAAATGATCTTCCAGAGGTGCCGTTTC[G>A]ACTTCGGATCCATGCCAGAGCTCGGCTCATCCTTAATAGAAAGTTACAACAAAAATTTAT-3'
Protein context (NP_775099.2, residues 2414-2434): DEPSSGMDPK[Ser2424Leu]KRHLWKIISE